The following is an entry in ClinVar:

NM_000110.4(DPYD):c.321+1G>A

Gene: DPYD (dihydropyrimidine dehydrogenase; minus strand). Cytogenetic location: 1p21.3.
Variant type: single nucleotide variant.
Coding change: c.321+1G>A on transcript NM_000110.4 (MANE Select); the canonical splice donor site of the intron after coding-DNA position 321, G replaced by A.
Molecular consequence: splice donor variant.
Genome position (GRCh38, 1-based): chr1:97,740,391, C>T on the plus strand (G>A on the coding strand, the complement: DPYD is on the minus strand). VCF-style: chr1-97740391-C-T. GRCh37 (hg19) VCF-style: chr1-98205947-C-T.
Other names: c.321+1G>A (NM_001160301.1, NM_000110.3).
Identifiers: ClinVar variation 2439928 (VCV002439928.6), dbSNP rs746368304, ClinGen allele CA963730.
Genomic context (GRCh38, chr1:97,740,391, plus strand): 5'-GATAATAGAGAACAAGATCAAATACTGTTATTTTCATTTGCAGAGTTAAATCTGAATTTA[C>T]CTTGTTTGCAATACTTGTGATGAATGATTTAATATCAAGATTAGTTGGACAGCTCTTCTG-3'

ClinVar aggregate classification (germline): Conflicting classifications of pathogenicity. Review status: criteria provided, conflicting classifications (1 of 4 stars). 4 submissions from 4 submitters: Pathogenic (2); Likely pathogenic (1); Uncertain significance (1). Last evaluated 2023-07-27.

Conditions:
Dihydropyrimidine dehydrogenase deficiency (DPYDD). Also called: DPD DEFICIENCY; DPYD DEFICIENCY; Hereditary Thymine-Uraciluria. Identifiers: Orphanet 1675, MedGen C1959620, MONDO:0010130, OMIM 274270.
DPYD-related disorder. Also called: DPYD-related condition.

Allele frequency attached by ClinVar (database versions not stated): ExAC 0.00001; gnomAD 0.00001; gnomAD exomes 0.00001.
gnomAD v4.1: 10 of 1,608,564 alleles (0.00062%); highest among the groups gnomAD compares: Non-Finnish European, 0.00077%; no homozygotes.

Submissions (4):

Baylor Genetics
Classification: Pathogenic for Dihydropyrimidine dehydrogenase deficiency. Last evaluated: 2023-07-27. Review status: criteria provided, single submitter. Criteria: ACMG Guidelines, 2015. Collection method: clinical testing. Allele origin: unknown.

GeneDx
Classification: Uncertain significance. Last evaluated: 2023-07-17. Review status: criteria provided, single submitter. Criteria: GeneDx Variant Classification Process June 2021. Collection method: clinical testing. Allele origin: germline. Affected: yes.
Comment: Canonical splice site variant predicted to result in a null allele in a gene for which loss of function is a known mechanism of disease (PMID:28024938); This variant is associated with the following publications: (PMID: 28024938, 33544210, 34773566)

PreventionGenetics, part of Exact Sciences
Classification: Pathogenic for DPYD-related condition. Last evaluated: 2023-02-20. Review status: criteria provided, single submitter. Criteria: ACMG Guidelines, 2015. Collection method: clinical testing. Allele origin: germline.
Comment: The DPYD c.321+1G>A variant is predicted to disrupt the GT donor site and interfere with normal splicing. This variant was reported in multiple individuals with dihydropyrimidine dehydrogenase deficiency (van Kuilenburg et al. 2017. PubMed ID: 28024938). cDNA analysis found this variant results in exon skipping and is predicted to result in premature protein truncation (van Kuilenburg et al. 2017. PubMed ID: 28024938). This variant is reported in 0.0039% of alleles in individuals of European (Non-Finnish) descent in gnomAD. Variants that disrupt the consensus splice donor site in DPYD are expected to be pathogenic. This variant is interpreted as pathogenic.

Revvity Omics, Revvity
Classification: Likely pathogenic for Dihydropyrimidine dehydrogenase deficiency. Last evaluated: 2022-03-24. Review status: criteria provided, single submitter. Criteria: ACMG Guidelines, 2015. Collection method: clinical testing. Allele origin: germline.